The following is an entry in ClinVar:

ClinVar aggregate classification (germline): Uncertain significance. Review status: criteria provided, multiple submitters, no conflicts (2 of 4 stars). 2 submissions from 2 submitters: Uncertain significance (2). Last evaluated 2024-10-21.

Conditions:
Cardiovascular phenotype. Identifiers: MedGen CN230736.

Allele frequency attached by ClinVar (database versions not stated): gnomAD 0.00003 and 0.00004; gnomAD exomes 0.00003 and 0.00005; ExAC 0.00006.
gnomAD v4.1: 46 of 1,550,096 alleles (0.003%); highest among the groups gnomAD compares: Non-Finnish European, 0.0037%; no homozygotes.

Submissions (2):

Labcorp Genetics (formerly Invitae), Labcorp
Classification: Uncertain significance. Last evaluated: 2024-10-21. Review status: criteria provided, single submitter. Criteria: Invitae Variant Classification Sherloc (09022015). Collection method: clinical testing. Allele origin: germline.
Comment: This sequence change replaces glutamic acid, which is acidic and polar, with aspartic acid, which is acidic and polar, at codon 1196 of the ZNF469 protein (p.Glu1196Asp). This variant is present in population databases (rs757366332, gnomAD 0.01%). This variant has not been reported in the literature in individuals affected with ZNF469-related conditions. ClinVar contains an entry for this variant (Variation ID: 1461242). An algorithm developed to predict the effect of missense changes on protein structure and function outputs the following: PolyPhen-2: "Benign". The aspartic acid amino acid residue is found in multiple mammalian species, which suggests that this missense change does not adversely affect protein function. In summary, the available evidence is currently insufficient to determine the role of this variant in disease. Therefore, it has been classified as a Variant of Uncertain Significance.

Ambry Genetics
Classification: Uncertain significance for Cardiovascular phenotype. Last evaluated: 2021-03-17. Review status: criteria provided, single submitter. Criteria: Ambry Variant Classification Scheme 2023. Collection method: clinical testing. Allele origin: germline.
Comment: The p.E1196D variant (also known as c.3588G>C), located in coding exon 2 of the ZNF469 gene, results from a G to C substitution at nucleotide position 3588. The glutamic acid at codon 1196 is replaced by aspartic acid, an amino acid with highly similar properties. This amino acid position is not well conserved in available vertebrate species, and aspartic acid is the reference amino acid in other vertebrate species. In addition, this alteration is predicted to be tolerated by in silico analysis. Since supporting evidence is limited at this time, the clinical significance of this alteration remains unclear.

NM_001367624.2(ZNF469):c.3672G>C (p.Glu1224Asp)

Gene: ZNF469 (zinc finger protein 469; plus strand). Cytogenetic location: 16q24.2.
Variant type: single nucleotide variant.
Coding change: c.3672G>C on transcript NM_001367624.2 (MANE Select); coding-DNA position 3672, G replaced by C.
Protein change: p.Glu1224Asp; replaces glutamic acid 1224 with aspartic acid.
Molecular consequence: missense variant.
Genome position (GRCh38, 1-based): chr16:88,431,142, G>C. VCF-style: chr16-88431142-G-C. GRCh37 (hg19) VCF-style: chr16-88497550-G-C.
Other names: NM_001127464.1:c.3588G>C; short protein forms E1224D.
Identifiers: ClinVar variation 1461242 (VCV001461242.8), dbSNP rs757366332, ClinGen allele CA8224877.